The following is an entry in ClinVar:

NM_001127649.3(PEX26):c.218A>T (p.Glu73Val)

Gene: PEX26 (peroxisomal biogenesis factor 26; plus strand). Cytogenetic location: 22q11.21.
Variant type: single nucleotide variant.
Coding change: c.218A>T on transcript NM_001127649.3 (MANE Select); coding-DNA position 218, A replaced by T.
Protein change: p.Glu73Val; replaces glutamic acid 73 with valine.
Molecular consequence: missense variant.
Genome position (GRCh38, 1-based): chr22:18,078,594, A>T. VCF-style: chr22-18078594-A-T. GRCh37 (hg19) VCF-style: chr22-18561360-A-T.
Other names: c.218A>T, p.Glu73Val (NM_001199319.2, NM_017929.6); short protein forms E73V.
Identifiers: ClinVar variation 1986943 (VCV001986943.1), dbSNP rs777682317, ClinGen allele CA10093249.

ClinVar aggregate classification (germline): Uncertain significance (1 of 4 stars; one submission).

Conditions:
Peroxisome biogenesis disorder 7A (Zellweger). Also called: Peroxisome biogenesis disorder 7A. Identifiers: Orphanet 912, MedGen C3888385, MONDO:0013938, OMIM 614872.
Peroxisome biogenesis disorder 7B (PBD7B). Identifiers: Orphanet 44, MedGen C3553951, MONDO:0013939, OMIM 614873.

Allele frequency attached by ClinVar (database versions not stated): gnomAD exomes 0.00002; ExAC 0.00015.
gnomAD v4.1: 13 of 1,600,318 alleles (0.00081%); highest among the groups gnomAD compares: South Asian, 0.015%; no homozygotes.

Submission:

Labcorp Genetics (formerly Invitae), Labcorp
Classification: Uncertain significance for Peroxisome biogenesis disorder 7A (Zellweger); Peroxisome biogenesis disorder 7B. Last evaluated: 2022-10-25. Review status: criteria provided, single submitter. Criteria: Invitae Variant Classification Sherloc (09022015). Collection method: clinical testing. Allele origin: germline.
Comment: This sequence change replaces glutamic acid, which is acidic and polar, with valine, which is neutral and non-polar, at codon 73 of the PEX26 protein (p.Glu73Val). This variant is present in population databases (rs777682317, gnomAD 0.03%). This variant has not been reported in the literature in individuals affected with PEX26-related conditions. Advanced modeling of protein sequence and biophysical properties (such as structural, functional, and spatial information, amino acid conservation, physicochemical variation, residue mobility, and thermodynamic stability) performed at Invitae indicates that this missense variant is not expected to disrupt PEX26 protein function. Algorithms developed to predict the effect of sequence changes on RNA splicing suggest that this variant may create or strengthen a splice site. In summary, the available evidence is currently insufficient to determine the role of this variant in disease. Therefore, it has been classified as a Variant of Uncertain Significance.